The following is an entry in ClinVar:

NM_001195248.2(APTX):c.837G>A (p.Trp279Ter)

Gene: APTX (aprataxin; minus strand). Cytogenetic location: 9p21.1.
Variant type: single nucleotide variant.
Coding change: c.837G>A on transcript NM_001195248.2 (MANE Select); coding-DNA position 837, G replaced by A.
Protein change: p.Trp279Ter; replaces tryptophan 279 with a stop codon.
Molecular consequence: nonsense. On other transcripts: non-coding transcript variant (13).
Genome position (GRCh38, 1-based): chr9:32,974,495, C>T on the plus strand (G>A on the coding strand, the complement: APTX is on the minus strand). VCF-style: chr9-32974495-C-T. GRCh37 (hg19) VCF-style: chr9-32974493-C-T.
Other names: p.W279*:TGG>TGA; c.837G>A, p.Trp279Ter (NM_001195249.2, NM_001195251.2, NM_001368995.1 and 6 more transcripts); c.675G>A, p.Trp225Ter (NM_001195250.2, NM_001195254.2, NM_001369000.1 and 1 more transcripts); c.621G>A, p.Trp207Ter (NM_001195252.2); c.573G>A, p.Trp191Ter (NM_001369002.1, NM_001369003.1, NM_001369004.1 and 5 more transcripts); short protein forms W279*, W225*, W191*, W207*.
Identifiers: ClinVar variation 4431 (VCV000004431.84), dbSNP rs104894103, ClinGen allele CA253152.

ClinVar aggregate classification (germline): Pathogenic. Review status: criteria provided, multiple submitters, no conflicts (2 of 4 stars). 24 submissions from 24 submitters: Pathogenic (19). 5 of the submissions do not count toward it. Last evaluated 2026-03-29.

Conditions:
APTX-related disorder. Also called: APTX-related condition.
Hereditary ataxia. Also called: Hereditary Ataxias. Identifiers: Orphanet 183518, MedGen C0004138, MONDO:0100309, MONDO:0000557.
Inborn genetic diseases. Identifiers: MedGen C0950123, MeSH D030342.
Ataxia, early-onset, with oculomotor apraxia and hypoalbuminemia (EAOH). Also called: ATAXIA-OCULOMOTOR APRAXIA SYNDROME; ATAXIA-TELANGIECTASIA-LIKE SYNDROME; Ataxia-oculomotor apraxia type 1. Identifiers: Orphanet 1168, MedGen C1859598, MONDO:0008842, OMIM 208920.

Allele frequency attached by ClinVar (database versions not stated): TOPMed 0.00038; gnomAD 0.00040 and 0.00044.
gnomAD v4.1: 594 of 1,608,946 alleles (0.037%); highest among the groups gnomAD compares: Non-Finnish European, 0.046%; no homozygotes.

Submissions 1 to 11 of 24:

Dasa
Classification: Pathogenic. Last evaluated: 2026-03-29. Review status: criteria provided, single submitter. Criteria: DASA Assertion Criteria. Collection method: clinical testing. Allele origin: germline.
Comment: NM_001195248.2(APTX):c.837G>A (p.Trp279*) introduces a premature termination codon predicted to result in loss of normal protein function. Loss-of-function is an established mechanism of disease for this gene. Functional evidence supports a deleterious effect on the gene or gene product (PMID: 32750061; PMID: 26068213; PMID: 33101765; PMID: 35426160; PMID: 29356829). This variant has been recurrently observed in individuals with related phenotype (PMID: 32750061; PMID: 26068213; PMID: 33101765; PMID: 35426160; PMID: 29356829). Multiple computational predictions support a deleterious effect on the gene or gene product. The variant is present at low frequency in population datasets. Based on the available data, this variant is classified as pathogenic.

Mendelics
Classification: Pathogenic for Ataxia, early-onset, with oculomotor apraxia and hypoalbuminemia. Last evaluated: 2026-03-05. Review status: criteria provided, single submitter. Criteria: ACMG Guidelines, 2015. Collection method: clinical testing. Allele origin: unknown.
Comment: Likely pathogenic/Pathogenic according to ACMG criteria.

Variantyx, Inc.
Classification: Pathogenic for Ataxia, early-onset, with oculomotor apraxia and hypoalbuminemia. Last evaluated: 2025-10-27. Review status: criteria provided, single submitter. Criteria: Variantyx Assertion Criteria 2022. Collection method: clinical testing. Allele origin: germline. Inheritance: Autosomal recessive inheritance. Affected: no.
Comment: This is a nonsense variant in the APTX gene (OMIM: 606350). Pathogenic variants in this gene have been associated with autosomal recessive ataxia early onset with oculomotor apraxia and hypoalbuminemia. This variant introduces a premature termination codon in exon 7 out of 8 and is not predicted to result in NMD, but is predicted to result in a truncated protein lacking the C2H2-type zinc finger DNA binding domain (UniProt: Q7Z2E3, PMID: 35420381) (PVS1). This variant has been reported in the homozygous state in multiple, unrelated affected individuals (PMID: 35420381, 16700949, 32214227) and has been observed to segregate with disease in at least ten individuals from two families (PMID: 32750061, 35420381) (PP1). This variant has a 0.04609% maximum allele frequency in non-founder control populations. Based on the current evidence, this variant is classified as pathogenic for autosomal recessive ataxia early onset with oculomotor apraxia and hypoalbuminemia.

Athena Diagnostics
Classification: Pathogenic. Last evaluated: 2025-09-29. Review status: criteria provided, single submitter. Criteria: Athena Diagnostics Criteria. Collection method: clinical testing. Allele origin: unknown.
Comment: The frequency of this variant in the general population is consistent with pathogenicity. This variant is not expected to cause loss of protein expression through nonsense-mediated decay. However, it disrupts a substantial portion of the protein, and therefore, is expected to disrupt its function. This variant segregates with disease in multiple families. Assessment of experimental evidence suggests this variant results in abnormal protein function. (PMID: 15790557) In multiple individuals, this variant has been seen with a single recessive pathogenic variant in the same gene, suggesting this variant may also be pathogenic.

PreventionGenetics, part of Exact Sciences
Classification: Pathogenic for APTX-related condition. Last evaluated: 2025-07-31. Review status: criteria provided, single submitter. Criteria: ACMG Guidelines, 2015. Collection method: clinical testing. Allele origin: germline.
Comment: The APTX c.837G>A variant is predicted to result in premature protein termination (p.Trp279*). This variant has been reported to be causative for autosomal recessive ataxia with oculomotor apraxia 1 (Moreira et al. 2001. PubMed ID: 11586300; Coutelier et al. 2018. PubMed ID: 29482223). This variant is reported in 0.029% of alleles in individuals of European (Non-Finnish) descent in gnomAD and is consistently interpreted as pathogenic in ClinVar (Variation ID: 4431). Nonsense variants in APTX are expected to be pathogenic. This variant is interpreted as pathogenic.

Labcorp Genetics (formerly Invitae), Labcorp
Classification: Pathogenic. Last evaluated: 2025-04-13. Review status: criteria provided, single submitter. Criteria: Invitae Variant Classification Sherloc (09022015). Collection method: clinical testing. Allele origin: germline.
Comment: This sequence change creates a premature translational stop signal (p.Trp279*) in the APTX gene. While this is not anticipated to result in nonsense mediated decay, it is expected to disrupt the last 64 amino acid(s) of the APTX protein. This variant is present in population databases (rs104894103, gnomAD 0.03%). This premature translational stop signal has been observed in individuals with cerebellar ataxia with oculomotor apraxia (PMID: 11586300, 12629250, 14506070, 15996403, 16700949, 29356829, 29482223). This variant is also known as c.879G>A; p.Trp293*. ClinVar contains an entry for this variant (Variation ID: 4431). Algorithms developed to predict the effect of variants on gene product structure and function are not available or were not evaluated for this variant. Experimental studies have shown that this premature translational stop signal affects APTX function (PMID: 15790557). Algorithms developed to predict the effect of sequence changes on RNA splicing suggest that this variant may disrupt the consensus splice site. For these reasons, this variant has been classified as Pathogenic.

Ambry Genetics
Classification: Pathogenic for Inborn genetic diseases. Last evaluated: 2025-03-20. Review status: criteria provided, single submitter. Criteria: Ambry Variant Classification Scheme 2023. Collection method: clinical testing. Allele origin: germline.
Comment: The c.837G>A (p.W279*) alteration, located in exon 8 (coding exon 6) of the APTX gene, consists of a G to A substitution at nucleotide position 837. This changes the amino acid from a tryptophan (W) to a stop codon at amino acid position 279. This variant is not expected to trigger nonsense-mediated mRNA decay and impacts the last 18.7% of the protein. However, premature stop codons are typically deleterious in nature and a significant portion of the protein is affected (Ambry internal data). Based on data from the Genome Aggregation Database (gnomAD) database, the APTX c.837G>A alteration was observed in 0.02% (51/282248) of total alleles studied, with a frequency of 0.03% (37/128976) in the European (non-Finnish) subpopulation. This variant has been identified in the homozygous state and in conjunction with other APTX variants in individuals with features consistent with ataxia with oculomotor apraxia. This is the most common pathogenic allele in the European population (Le Ber, 2003; Mahajnah, 2005; Moreira, 2001; Renaud, 2018; Tranchant, 2003). Functional analysis demonstrated that the p.W279* alteration results in the absence of protein product in cells and significantly diminishes enzyme activity (Seidle, 2005; Shahwan, 2006). Based on the available evidence, this alteration is classified as pathogenic.

Blueprint Genetics
Classification: Pathogenic for APTX-related disorders. Last evaluated: 2024-11-20. Review status: criteria provided, single submitter. Criteria: ACMG Guidelines, 2015. Collection method: clinical testing. Allele origin: germline. Affected: yes. Observed: 5 variant alleles.

Revvity Omics, Revvity
Classification: Pathogenic for Ataxia, early-onset, with oculomotor apraxia and hypoalbuminemia. Last evaluated: 2024-11-15. Review status: criteria provided, single submitter. Criteria: ACMG Guidelines, 2015. Collection method: clinical testing. Allele origin: germline.

Laboratorio de Genetica e Diagnostico Molecular, Hospital Israelita Albert Einstein
Classification: Pathogenic for Ataxia, early-onset, with oculomotor apraxia and hypoalbuminemia. Last evaluated: 2023-01-27. Review status: criteria provided, single submitter. Criteria: ACMG Guidelines, 2015. Collection method: clinical testing. Allele origin: germline. Affected: yes. Observed: 1 variant allele.
Comment: ACMG classification criteria: PVS1 strong, PM3 very strong, PP1 strong

Department of Pathology and Laboratory Medicine, Sinai Health System
Classification: Pathogenic for Ataxia, early-onset, with oculomotor apraxia and hypoalbuminemia. Last evaluated: 2022-04-05. Review status: criteria provided, single submitter. Criteria: ACMG Guidelines, 2015. Collection method: research. Allele origin: germline.